The following is an entry in ClinVar:

ClinVar aggregate classification (germline): Pathogenic. Review status: criteria provided, multiple submitters, no conflicts (2 of 4 stars). 2 submissions from 2 submitters: Pathogenic (2). Last evaluated 2018-07-01.

Conditions:
Tubulinopathy. Also called: Tubulinopathies. Identifiers: MedGen CN850169, MONDO:0100153.
Lissencephaly due to TUBA1A mutation (CDCBM16). Also called: CORTICAL DYSPLASIA, COMPLEX, WITH OTHER BRAIN MALFORMATIONS 16; Lissencephaly 3. Identifiers: Orphanet 171680, MedGen C4305153, MONDO:0012703, OMIM 611603.

Submissions (2):

Institute of Human Genetics, FAU Erlangen, Friedrich-Alexander-Universität Erlangen-Nürnberg
Classification: Pathogenic for Tubulinopathies. Last evaluated: 2018-07-01. Review status: criteria provided, single submitter. Criteria: ACMG Guidelines, 2015. Collection method: literature only. Allele origin: de novo. Affected: yes. Observed: 2 variant alleles.
Comment: The c.1205G>T, p.(Arg402Leu) variant has been reported as a variant of de novo origin. This variant and associated phenotype was previously reported by Morris-Rosendahl et al. Clin Genet, 2008 PMID: 18954413. HPO-standardized clinical features were: Hypoplasia of the corpus callosum (HP:0002079); Agyria-pachygyria (HP:0031883, HP:0001302); Cerebellar vermis hypoplasia (HP:0001320); Hypoplasia of the pons (HP:0012110); Dysgenesis of the hippocampus (HP:0025101); Dilation of lateral ventricles (HP:0006956); no Congenital microcephaly (-HP:0011451); Microcephaly (HP:0000252); Spasticity, muscular hypotonia (HP:0001257, HP:0001252); Focal seizures (HP:0007359)

Genetic Services Laboratory, University of Chicago
Classification: Pathogenic for Lissencephaly 3. Last evaluated: 2014-01-17. Review status: criteria provided, single submitter. Criteria: ACMG Guidelines, 2007. Collection method: clinical testing. Allele origin: germline. Inheritance: Autosomal dominant inheritance. Affected: yes.

Literature cited by the submitters: PubMed 30744660 (cited by Institute of Human Genetics, FAU Erlangen, Friedrich-Alexander-Universität Erlangen-Nürnberg); DOI 10.1101/427948 (cited by Institute of Human Genetics, FAU Erlangen, Friedrich-Alexander-Universität Erlangen-Nürnberg).

NM_006009.4(TUBA1A):c.1205G>T (p.Arg402Leu)

Gene: TUBA1A (tubulin alpha 1a; minus strand). Cytogenetic location: 12q13.12.
Variant type: single nucleotide variant.
Coding change: c.1205G>T on transcript NM_006009.4 (MANE Select); coding-DNA position 1205, G replaced by T.
Protein change: p.Arg402Leu; replaces arginine 402 with leucine.
Molecular consequence: missense variant.
Genome position (GRCh38, 1-based): chr12:49,185,161, C>A on the plus strand (G>T on the coding strand, the complement: TUBA1A is on the minus strand). VCF-style: chr12-49185161-C-A. GRCh37 (hg19) VCF-style: chr12-49578944-C-A.
Other names: c.1205G>T, p.Arg402Leu (NM_001270399.2); c.1100G>T, p.Arg367Leu (NM_001270400.2); short protein forms R402L, R367L.
Identifiers: ClinVar variation 160147 (VCV000160147.8), dbSNP rs137853044, ClinGen allele CA213258.